The following is an entry in ClinVar:

ClinVar aggregate classification (germline): Likely pathogenic (1 of 4 stars; one submission).

Submission:

ARUP Laboratories, Molecular Genetics and Genomics, ARUP Laboratories
Classification: Likely pathogenic. Last evaluated: 2024-05-16. Review status: criteria provided, single submitter. Criteria: ARUP Molecular Germline Variant Investigation Process 2024. Collection method: clinical testing. Allele origin: germline.
Comment: The F8 c.4320T>G; p.Tyr1440Ter variant, to our knowledge, is not reported in the medical literature or gene specific databases. This variant is also absent from the Genome Aggregation Database (v2.1.1), indicating it is not a common polymorphism. This variant induces an early termination codon and is predicted to result in a truncated protein or mRNA subject to nonsense-mediated decay. Based on available information, this variant is considered to be likely pathogenic.

NM_000132.4(F8):c.4320T>G (p.Tyr1440Ter)

Gene: F8 (coagulation factor VIII; minus strand). Cytogenetic location: Xq28.
Variant type: single nucleotide variant.
Coding change: c.4320T>G on transcript NM_000132.4 (MANE Select); coding-DNA position 4320, T replaced by G.
Protein change: p.Tyr1440Ter; replaces tyrosine 1440 with a stop codon.
Molecular consequence: nonsense.
Genome position (GRCh38, 1-based): chrX:154,929,470, A>C on the plus strand (T>G on the coding strand, the complement: F8 is on the minus strand). VCF-style: chrX-154929470-A-C. GRCh37 (hg19) VCF-style: chrX-154157745-A-C.
Other names: short protein forms Y1440*.
Identifiers: ClinVar variation 3766623 (VCV003766623.1).
Genomic context (GRCh38, chrX:154,929,470, plus strand): 5'-ATTTTTTTTGGCTCCTTGTAAGAAATGACTGCTTTCTTGGACCCCAGAATCTTTCTTTCT[A>C]TAAGATGCTGCTGGAAGATGAGAAGAGTTGTCTTGGAATAGGACCCTGGTCAGATATATA-3'